The following is an entry in ClinVar:

ClinVar aggregate classification (germline): Pathogenic (1 of 4 stars; one submission).

Conditions:
Wiedemann-Steiner syndrome (WDSTS). Also called: Growth deficiency and mental retardation with facial dysmorphism. Identifiers: Orphanet 319182, MedGen C1854630, MONDO:0011518, OMIM 605130.

Submission:

Victorian Clinical Genetics Services, Murdoch Childrens Research Institute
Classification: Pathogenic for Wiedemann-Steiner syndrome. Last evaluated: 2017-10-24. Review status: criteria provided, single submitter. Criteria: ACMG Guidelines, 2015. Collection method: clinical testing. Allele origin: de novo. Inheritance: Autosomal dominant inheritance. Affected: yes. Observed: 1 variant allele.
Comment: A heterozygous variant was identified in exon 5 of the KMT2A gene, NM_001197104(KMT2A):c.3341C>A (chr11:118348688). This nonsense variant is predicted to create a change of a serine to a stop at amino acid position 1114, NP_001184033.1(KMT2A):p.(Ser1114*), resulting in a truncated protein. The serine at this position has high conservation and this substitution results in a substantial amino acid truncation which includes important domains of the protein. In silico software predicts this variant to be disease causing. This variant has not been previously observed in our patient cohort, is not present in population databases and has not been previosuly observed in other clinical cases. However, heterozygous truncating variants are associated with Wiedemann-Steiner syndrome and truncating variants downstream in the KMT2A gene have been reported as pathogenic (ClinVar). Parental testing confirmed this variant to be de novo. Based on current information this variant has been classified as PATHOGENIC.

NM_001197104.2(KMT2A):c.3341C>A (p.Ser1114Ter)

Gene: KMT2A (lysine methyltransferase 2A; plus strand). Cytogenetic location: 11q23.3.
Variant type: single nucleotide variant.
Coding change: c.3341C>A on transcript NM_001197104.2 (MANE Select); coding-DNA position 3341, C replaced by A.
Protein change: p.Ser1114Ter; replaces serine 1114 with a stop codon.
Molecular consequence: nonsense.
Genome position (GRCh38, 1-based): chr11:118,477,973, C>A. VCF-style: chr11-118477973-C-A. GRCh37 (hg19) VCF-style: chr11-118348688-C-A.
Other names: c.3341C>A, p.Ser1114Ter (NM_005933.4); short protein forms S1114*.
Identifiers: ClinVar variation 488383 (VCV000488383.3), dbSNP rs1555038029, ClinGen allele CA382824295.